The following is an entry in ClinVar:

ClinVar aggregate classification (germline): Uncertain significance (1 of 4 stars; one submission).

Allele frequency attached by ClinVar (database versions not stated): gnomAD exomes below 0.00001 and 0.00001; TOPMed below 0.00001; gnomAD 0.00001; ExAC 0.00002.
gnomAD v4.1: 6 of 1,614,044 alleles (0.00037%); highest among the groups gnomAD compares: African/African-American, 0.0013%; no homozygotes.

Submission:

GeneDx
Classification: Uncertain significance. Last evaluated: 2016-05-31. Review status: criteria provided, single submitter. Criteria: GeneDx Variant Classification (06012015). Collection method: clinical testing. Allele origin: germline. Affected: yes.
Comment: The R288W variant in the ADAMTSL2 gene has not been reported previously as a pathogenic variant, nor as a benign variant, to our knowledge. The R288W variant was not observed in approximately 6,500 individuals of European and African American ancestry in the NHLBI Exome Sequencing Project, indicating it is not a common benign variant in these populations. The R288W variant is a non-conservative amino acid substitution, which is likely to impact secondary protein structure as these residues differ in polarity, charge, size and/or other properties. This substitution occurs at a position that is conserved across species. In silico analysis predicts this variant is probably damaging to the protein structure/function. We interpret R288W as a variant of uncertain significance.

NM_014694.4(ADAMTSL2):c.862C>T (p.Arg288Trp)

Gene: ADAMTSL2 (ADAMTS like 2; plus strand). Cytogenetic location: 9q34.2.
Variant type: single nucleotide variant.
Coding change: c.862C>T on transcript NM_014694.4 (MANE Select); coding-DNA position 862, C replaced by T.
Protein change: p.Arg288Trp; replaces arginine 288 with tryptophan.
Molecular consequence: missense variant.
Genome position (GRCh38, 1-based): chr9:133,547,136, C>T. VCF-style: chr9-133547136-C-T. GRCh37 (hg19) VCF-style: chr9-136412258-C-T.
Other names: c.862C>T, p.Arg288Trp (NM_001145320.2); short protein forms R288W.
Identifiers: ClinVar variation 386705 (VCV000386705.2), dbSNP rs768206378, ClinGen allele CA5312783.
Genomic context (GRCh38, chr9:133,547,136, plus strand): 5'-AACTACAAGGTGGACAGCCCCAAGAACTTCAACATCGCAGGCACGGTGGTCAAGTACAGG[C>T]GGCCCATGGATGTCTATGAGACCGGAATCGAGTACATCGTGGCACAGGGGCCCACCAACC-3'
Protein context (NP_055509.2, residues 278-298): NIAGTVVKYR[Arg288Trp]PMDVYETGIE